The following is an entry in ClinVar:

NM_172364.5(CACNA2D4):c.424C>T (p.Gln142Ter)

Gene: CACNA2D4 (calcium voltage-gated channel auxiliary subunit alpha2delta 4; minus strand). Cytogenetic location: 12p13.33.
Variant type: single nucleotide variant.
Coding change: c.424C>T on transcript NM_172364.5 (MANE Select); coding-DNA position 424, C replaced by T.
Protein change: p.Gln142Ter; replaces glutamine 142 with a stop codon.
Molecular consequence: nonsense.
Genome position (GRCh38, 1-based): chr12:1,913,025, G>A on the plus strand (C>T on the coding strand, the complement: CACNA2D4 is on the minus strand). VCF-style: chr12-1913025-G-A. GRCh37 (hg19) VCF-style: chr12-2022191-G-A.
Other names: short protein forms Q142*.
Identifiers: ClinVar variation 1055066 (VCV001055066.9), dbSNP rs776189698, ClinGen allele CA6387550.

ClinVar aggregate classification (germline): Conflicting classifications of pathogenicity. Review status: criteria provided, conflicting classifications (1 of 4 stars). 2 submissions from 2 submitters: Likely pathogenic (1); Uncertain significance (1). Last evaluated 2024-06-27.

Conditions:
CACNA2D4-related disorder. Also called: CACNA2D4-related condition.

Allele frequency attached by ClinVar (database versions not stated): ExAC 0.00001; gnomAD exomes 0.00001.
gnomAD v4.1: 12 of 1,607,406 alleles (0.00075%); highest among the groups gnomAD compares: Middle Eastern, 0.017%; no homozygotes.

Submissions (2):

Blueprint Genetics
Classification: Likely pathogenic for CACNA2D4-related disorders. Last evaluated: 2024-06-27. Review status: criteria provided, single submitter. Criteria: ACMG Guidelines, 2015. Collection method: clinical testing. Allele origin: germline. Affected: yes. Observed: 4 variant alleles.

Labcorp Genetics (formerly Invitae), Labcorp
Classification: Uncertain significance. Last evaluated: 2023-12-04. Review status: criteria provided, single submitter. Criteria: Invitae Variant Classification Sherloc (09022015). Collection method: clinical testing. Allele origin: germline.
Comment: This sequence change creates a premature translational stop signal (p.Gln142*) in the CACNA2D4 gene. It is expected to result in an absent or disrupted protein product. However, the current clinical and genetic evidence is not sufficient to establish whether loss-of-function variants in CACNA2D4 cause disease. This variant is present in population databases (rs776189698, gnomAD 0.002%). This premature translational stop signal has been observed in individual(s) with clinical features of CACNA2D4-related conditions (PMID: 36460718). ClinVar contains an entry for this variant (Variation ID: 1055066). In summary, the available evidence is currently insufficient to determine the role of this variant in disease. Therefore, it has been classified as a Variant of Uncertain Significance.

Literature cited by the submitters: PubMed 36460718 (cited by Labcorp Genetics (formerly Invitae), Labcorp).